The following is an entry in ClinVar:

ClinVar aggregate classification (germline): Uncertain significance (1 of 4 stars; one submission).

Conditions:
Neuronopathy, distal hereditary motor, autosomal recessive 5. Also called: Spinal muscular atrophy, distal, autosomal recessive, 5; Young adult-onset distal hereditary motor neuropathy; NEUROPATHY, DISTAL HEREDITARY MOTOR, AUTOSOMAL RECESSIVE 5. Identifiers: Orphanet 314485, Orphanet 443950, MedGen C4749918, MONDO:0013947, OMIM 614881.

Allele frequency attached by ClinVar (database versions not stated): TOPMed 0.00001.

Submission:

Labcorp Genetics (formerly Invitae), Labcorp
Classification: Uncertain significance for Neuronopathy, distal hereditary motor, autosomal recessive 5. Last evaluated: 2021-08-24. Review status: criteria provided, single submitter. Criteria: Invitae Variant Classification Sherloc (09022015). Collection method: clinical testing. Allele origin: germline.
Comment: This sequence change replaces arginine with glutamine at codon 82 of the DNAJB2 protein (p.Arg82Gln). The arginine residue is weakly conserved and there is a small physicochemical difference between arginine and glutamine. This variant is present in population databases (rs576205050, ExAC 0.002%). This variant has not been reported in the literature in individuals affected with DNAJB2-related conditions. Algorithms developed to predict the effect of missense changes on protein structure and function output the following: SIFT: "Tolerated"; PolyPhen-2: "Benign"; Align-GVGD: "Class C0". The glutamine amino acid residue is found in multiple mammalian species, which suggests that this missense change does not adversely affect protein function. Algorithms developed to predict the effect of sequence changes on RNA splicing suggest that this variant may create or strengthen a splice site. In summary, the available evidence is currently insufficient to determine the role of this variant in disease. Therefore, it has been classified as a Variant of Uncertain Significance.

NM_006736.6(DNAJB2):c.245G>A (p.Arg82Gln)

Gene: DNAJB2 (DnaJ heat shock protein family (Hsp40) member B2; plus strand). Cytogenetic location: 2q35.
Variant type: single nucleotide variant.
Coding change: c.245G>A on transcript NM_006736.6 (MANE Select); coding-DNA position 245, G replaced by A.
Protein change: p.Arg82Gln; replaces arginine 82 with glutamine.
Molecular consequence: missense variant.
Genome position (GRCh38, 1-based): chr2:219,281,954, G>A. VCF-style: chr2-219281954-G-A. GRCh37 (hg19) VCF-style: chr2-220146676-G-A.
Other names: c.245G>A, p.Arg82Gln (NM_001039550.2); short protein forms R82Q.
Identifiers: ClinVar variation 960973 (VCV000960973.7), dbSNP rs576205050, ClinGen allele CA2122893.